The following is an entry in ClinVar:

ClinVar aggregate classification (germline): Pathogenic (0 of 4 stars; one submission).

Conditions:
Hereditary hemorrhagic telangiectasia (HHT). Also called: Osler hemorrhagic telangiectasia syndrome; ORW DISEASE; Osler Weber Rendu syndrome; OSLER-RENDU-WEBER DISEASE. Identifiers: Orphanet 774, MedGen C0039445, MONDO:0019180. Disease mechanism: loss of function.

Submission:

Department of Respiratory, Guangzhou Women and Children's Medical Center, Guangzhou Medical University
Classification: Pathogenic for Hereditary hemorrhagic telangiectasia. Last evaluated: 2024-12-19. Review status: no assertion criteria provided. Collection method: clinical testing. Allele origin: germline. Affected: yes. Observed: 1 variant allele, 1 heterozygote.
Comment: The variant's pathogenic effect is supported by functional studies in the following articles [1,2]). [1] Mendez PL, Obendorf L, Jatzlau J, et al. Atheroprone fluid shear stress-regulated ALK1-Endoglin-SMAD signaling originates from early endosomes. BMC Biol. 2022;20(1):210. PubMed ID：36171573 [2] Arthur HM, Roman BL. An update on preclinical models of hereditary haemorrhagic telangiectasia: Insights into disease mechanisms. Front Med (Lausanne). 2022. 9: 973964. PubMed ID：36250069

Literature cited by the submitters: PubMed 36171573; PubMed 36250069.

NM_000118.4:c.1748_1751delCAAG

Gene: ENG (endoglin; minus strand).
Variant type: Deletion.
Other names: c.1748_1751delCAAG (NM_000118.4).
Identifiers: ClinVar variation 4087729 (VCV004087729.1).